The following is an entry in ClinVar:

NM_001123385.2(BCOR):c.1826G>A (p.Ser609Asn)

Gene: BCOR (BCL6 corepressor; minus strand). Cytogenetic location: Xp11.4.
Variant type: single nucleotide variant.
Coding change: c.1826G>A on transcript NM_001123385.2 (MANE Select); coding-DNA position 1826, G replaced by A.
Protein change: p.Ser609Asn; replaces serine 609 with asparagine.
Molecular consequence: missense variant.
Genome position (GRCh38, 1-based): chrX:40,073,520, C>T on the plus strand (G>A on the coding strand, the complement: BCOR is on the minus strand). VCF-style: chrX-40073520-C-T. GRCh37 (hg19) VCF-style: chrX-39932773-C-T.
Other names: c.1826G>A, p.Ser609Asn (NM_001123383.2, NM_001123384.2, NM_001437510.1 and 4 more transcripts); short protein forms S609N.
Identifiers: ClinVar variation 4748721 (VCV004748721.2).
Genomic context (GRCh38, chrX:40,073,520, plus strand): 5'-TTTGCTTTGAAACTCGGTTCTGGGTTGCTGGCTTTGGCGCCCTTGCTGCTGGTGCTGCTA[C>T]TGTGCTTGGCAGGAGTGGCCGGGGGCTGGCCCACGTGCTGAATAACGGATGGTGTGGTTT-3'
Protein context (NP_001116857.1, residues 599-619): GQPPATPAKH[Ser609Asn]SSTSSKGAKA

ClinVar aggregate classification (germline): Uncertain significance. Review status: criteria provided, multiple submitters, no conflicts (2 of 4 stars). 2 submissions from 2 submitters: Uncertain significance (2). Last evaluated 2025-07-15.

Conditions:
Oculofaciocardiodental syndrome (MCOPS2). Identifiers: Orphanet 2712, MedGen C1846265, MONDO:0010261, OMIM 300166.

gnomAD v4.1: 5 of 1,211,463 alleles (0.00041%); highest among the groups gnomAD compares: Admixed American, 0.011%; no homozygotes.

Submissions (2):

Labcorp Genetics (formerly Invitae), Labcorp
Classification: Uncertain significance for Oculofaciocardiodental syndrome. Last evaluated: 2025-07-15. Review status: criteria provided, single submitter. Criteria: Invitae Variant Classification Sherloc (09022015). Collection method: clinical testing. Allele origin: germline.
Comment: This sequence change replaces serine, which is neutral and polar, with asparagine, which is neutral and polar, at codon 609 of the BCOR protein (p.Ser609Asn). This variant is present in population databases (rs748027304, gnomAD 0.01%). This variant has not been reported in the literature in individuals affected with BCOR-related conditions. An algorithm developed to predict the effect of missense changes on protein structure and function outputs the following: PolyPhen-2: "Benign". The asparagine amino acid residue is found in multiple mammalian species, which suggests that this missense change does not adversely affect protein function. In summary, the available evidence is currently insufficient to determine the role of this variant in disease. Therefore, it has been classified as a Variant of Uncertain Significance.

Blueprint Genetics
Classification: Uncertain significance. Last evaluated: 2022-08-19. Review status: criteria provided, single submitter. Criteria: ACMG Guidelines, 2015. Collection method: clinical testing. Allele origin: germline.